The following is an entry in ClinVar:

NM_001164665.2(KIAA1549):c.4519C>T (p.Arg1507Ter)

Gene: KIAA1549 (KIAA1549; minus strand). Cytogenetic location: 7q34.
Variant type: single nucleotide variant.
Coding change: c.4519C>T on transcript NM_001164665.2 (MANE Select); coding-DNA position 4519, C replaced by T.
Protein change: p.Arg1507Ter; replaces arginine 1507 with a stop codon.
Molecular consequence: nonsense.
Genome position (GRCh38, 1-based): chr7:138,871,189, G>A on the plus strand (C>T on the coding strand, the complement: KIAA1549 is on the minus strand). VCF-style: chr7-138871189-G-A. GRCh37 (hg19) VCF-style: chr7-138555935-G-A.
Other names: c.4519C>T, p.Arg1507Ter (NM_020910.3); short protein forms R1507*.
Identifiers: ClinVar variation 1709612 (VCV001709612.2), dbSNP rs759848796, ClinGen allele CA369374482.
Genomic context (GRCh38, chr7:138,871,189, plus strand): 5'-TAACAGACTTTTAAATAAAAGCAAATACCTCTTTGTTGATTTTATTGCTTTCCGCCACTC[G>A]GTCGGCTGGGGAGGGGCGCTGGACGGGAGGTGCCGGGATCGGCTGCATGGCGATAAGCTG-3'

ClinVar aggregate classification (germline): Likely pathogenic (1 of 4 stars; one submission).

Conditions:
Retinitis pigmentosa 86. Identifiers: MedGen C5231428, MONDO:0032834, OMIM 618613.

gnomAD v4.1: 1 of 1,613,082 alleles (0.000062%); highest among the groups gnomAD compares: East Asian, 0.0022%; no homozygotes.

Submission:

MGZ Medical Genetics Center
Classification: Likely pathogenic for Retinitis pigmentosa 86. Last evaluated: 2022-07-01. Review status: criteria provided, single submitter. Criteria: ACMG Guidelines, 2015. Collection method: clinical testing. Allele origin: germline. Affected: yes. Observed: 1 variant allele.
Comment: ACMG criteria applied: PVS1_STR, PM2_SUP, PM3_SUP